The following is an entry in ClinVar:

ClinVar aggregate classification (germline): Uncertain significance (1 of 4 stars; one submission).

Conditions:
Charcot-Marie-Tooth disease type 2E (CMT2E). Also called: CHARCOT-MARIE-TOOTH NEUROPATHY, TYPE 2E; CHARCOT-MARIE-TOOTH DISEASE, AXONAL, TYPE 2E. Identifiers: Orphanet 99939, MedGen C1843225, MONDO:0011894, OMIM 607684.

Submission:

Labcorp Genetics (formerly Invitae), Labcorp
Classification: Uncertain significance for Charcot-Marie-Tooth disease type 2E. Last evaluated: 2021-01-08. Review status: criteria provided, single submitter. Criteria: Invitae Variant Classification Sherloc (09022015). Collection method: clinical testing. Allele origin: germline.
Comment: In summary, the available evidence is currently insufficient to determine the role of this variant in disease. Therefore, it has been classified as a Variant of Uncertain Significance. Experimental studies and prediction algorithms are not available or were not evaluated, and the functional significance of this variant is currently unknown. This variant has not been reported in the literature in individuals with NEFL-related conditions. This variant is not present in population databases (ExAC no frequency). This sequence change replaces glutamic acid with lysine at codon 394 of the NEFL protein (p.Glu394Lys). The glutamic acid residue is highly conserved and there is a small physicochemical difference between glutamic acid and lysine.

NM_006158.5(NEFL):c.1180G>A (p.Glu394Lys)

Gene: NEFL (neurofilament light chain; minus strand). Cytogenetic location: 8p21.2.
Variant type: single nucleotide variant.
Coding change: c.1180G>A on transcript NM_006158.5 (MANE Select); coding-DNA position 1180, G replaced by A.
Protein change: p.Glu394Lys; replaces glutamic acid 394 with lysine.
Molecular consequence: missense variant.
Genome position (GRCh38, 1-based): chr8:24,953,785, C>T on the plus strand (G>A on the coding strand, the complement: NEFL is on the minus strand). VCF-style: chr8-24953785-C-T. GRCh37 (hg19) VCF-style: chr8-24811299-C-T.
Other names: short protein forms E394K.
Identifiers: ClinVar variation 1397475 (VCV001397475.6), dbSNP rs2117251886, ClinGen allele CA370620721.
Genomic context (GRCh38, chr8:24,953,785, plus strand): 5'-GGGAGTAGCCACTGGTTATGCTTCCCACGCTGGTGAAACTGAGTCGGGTCTCCTCGCCTT[C>T]CAAGAGTTTCCTGGGGATGCAGATGCAAGGTGAGGTTAAAAAACACCTGTGTTTCACAAC-3'
Protein context (NP_006149.2, residues 384-404): IEIAAYRKLL[Glu394Lys]GEETRLSFTS